The following is an entry in ClinVar:

ClinVar aggregate classification (germline): Uncertain significance (1 of 4 stars; one submission).

Conditions:
Familial adenomatous polyposis 1 (FAP1). Also called: FAMILIAL ADENOMATOUS POLYPOSIS 1, ATTENUATED; POLYPOSIS, ADENOMATOUS INTESTINAL. Identifiers: MedGen C2713442, MONDO:0021056, OMIM 175100. Disease mechanism: loss of function.

Allele frequency attached by ClinVar (database versions not stated): gnomAD exomes 0.00001.

Submission:

Labcorp Genetics (formerly Invitae), Labcorp
Classification: Uncertain significance for Familial adenomatous polyposis 1. Last evaluated: 2025-07-16. Review status: criteria provided, single submitter. Criteria: Invitae Variant Classification Sherloc (09022015). Collection method: clinical testing. Allele origin: germline.
Comment: This variant occurs in a non-coding region of the APC gene. It does not change the encoded amino acid sequence of the APC protein. This variant is not present in population databases (gnomAD no frequency). This variant has not been reported in the literature in individuals affected with APC-related conditions. Experimental studies and prediction algorithms are not available or were not evaluated, and the functional significance of this variant is currently unknown. In summary, the available evidence is currently insufficient to determine the role of this variant in disease. Therefore, it has been classified as a Variant of Uncertain Significance.

NC_000005.10:g.112707355A>T

Gene: APC (APC regulator of Wnt signaling pathway; plus strand). Cytogenetic location: 5q22.2.
Variant type: single nucleotide variant.
Genome position: GRCh38 VCF-style: chr5-112707355-A-T. GRCh37 (hg19) VCF-style: chr5-112043052-A-T.
Identifiers: ClinVar variation 1519062 (VCV001519062.6), dbSNP rs1750551409, ClinGen allele CA2573138737.